The following is an entry in ClinVar:

ClinVar aggregate classification (germline): Benign (1 of 4 stars; one submission).

Conditions:
Autosomal dominant nocturnal frontal lobe epilepsy 4. Also called: EPILEPSY, FAMILIAL, WITH NOCTURNAL WANDERING AND ICTAL FEAR; CHRNA2-Related Nocturnal Frontal Lobe Epilepsy, Autosomal Dominant. Identifiers: Orphanet 98784, MedGen C1835905, MONDO:0012474, OMIM 610353.

Allele frequency attached by ClinVar (database versions not stated): 1000 Genomes Project 0.00579; 1000 Genomes Project 30x 0.00593; gnomAD 0.00811 and 0.00829; TOPMed 0.00828.

Submission:

Illumina Laboratory Services, Illumina
Classification: Benign for Autosomal dominant nocturnal frontal lobe epilepsy 4. Last evaluated: 2018-01-12. Review status: criteria provided, single submitter. Criteria: ICSL Variant Classification Criteria 13 December 2019. Collection method: clinical testing. Allele origin: germline.
Comment: This variant was observed in the ICSL laboratory as part of a predisposition screen in an ostensibly healthy population. It had not been previously curated by ICSL or reported in the Human Gene Mutation Database (HGMD: prior to June 1st, 2018), and was therefore a candidate for classification through an automated scoring system. Utilizing variant allele frequency, disease prevalence and penetrance estimates, and inheritance mode, an automated score was calculated to assess if this variant is too frequent to cause the disease. Based on the score and internal cut-off values, a variant classified as benign is not then subjected to further curation. The score for this variant resulted in a classification of benign for this disease.

NM_000742.4(CHRNA2):c.-424C>T

Gene: CHRNA2 (cholinergic receptor nicotinic alpha 2 subunit; minus strand). Cytogenetic location: 8p21.2.
Variant type: single nucleotide variant.
Coding change: c.-424C>T on transcript NM_000742.4 (MANE Select); 424 bases upstream of the start codon, C replaced by T.
Molecular consequence: 5 prime UTR variant.
Genome position (GRCh38, 1-based): chr8:27,479,111, G>A on the plus strand (C>T on the coding strand, the complement: CHRNA2 is on the minus strand). VCF-style: chr8-27479111-G-A. GRCh37 (hg19) VCF-style: chr8-27336628-G-A.
Other names: c.-424C>T (NM_001282455.2); c.-851C>T (NM_001347705.2); c.-896C>T (NM_001347706.2); c.-897C>T (NM_001347707.2); c.-885C>T (NM_001347708.2).
Identifiers: ClinVar variation 362707 (VCV000362707.5), dbSNP rs55726427, ClinGen allele CA10630827.